The following is an entry in ClinVar:

ClinVar aggregate classification (germline): Uncertain significance. Review status: criteria provided, multiple submitters, no conflicts (2 of 4 stars). 2 submissions from 2 submitters: Uncertain significance (2). Last evaluated 2024-02-27.

Conditions:
Inborn genetic diseases. Identifiers: MedGen C0950123, MeSH D030342.

Allele frequency attached by ClinVar (database versions not stated): gnomAD 0.00001; ExAC 0.00005.
gnomAD v4.1: 54 of 1,610,948 alleles (0.0034%); highest among the groups gnomAD compares: East Asian, 0.06%; no homozygotes.

Submissions (2):

Ambry Genetics
Classification: Uncertain significance for Inborn genetic diseases. Last evaluated: 2024-02-27. Review status: criteria provided, single submitter. Criteria: Ambry Variant Classification Scheme 2023. Collection method: clinical testing. Allele origin: germline.

Labcorp Genetics (formerly Invitae), Labcorp
Classification: Uncertain significance. Last evaluated: 2023-03-18. Review status: criteria provided, single submitter. Criteria: Invitae Variant Classification Sherloc (09022015). Collection method: clinical testing. Allele origin: germline.
Comment: In summary, the available evidence is currently insufficient to determine the role of this variant in disease. Therefore, it has been classified as a Variant of Uncertain Significance. Advanced modeling of protein sequence and biophysical properties (such as structural, functional, and spatial information, amino acid conservation, physicochemical variation, residue mobility, and thermodynamic stability) performed at Invitae indicates that this missense variant is not expected to disrupt DHX37 protein function. This variant has not been reported in the literature in individuals affected with DHX37-related conditions. This variant is present in population databases (rs772529799, gnomAD 0.02%). This sequence change replaces glutamic acid, which is acidic and polar, with lysine, which is basic and polar, at codon 944 of the DHX37 protein (p.Glu944Lys).

NM_032656.4(DHX37):c.2830G>A (p.Glu944Lys)

Gene: DHX37 (DEAH-box helicase 37; minus strand). Cytogenetic location: 12q24.31.
Variant type: single nucleotide variant.
Coding change: c.2830G>A on transcript NM_032656.4 (MANE Select); coding-DNA position 2830, G replaced by A.
Protein change: p.Glu944Lys; replaces glutamic acid 944 with lysine.
Molecular consequence: missense variant.
Genome position (GRCh38, 1-based): chr12:124,952,436, C>T on the plus strand (G>A on the coding strand, the complement: DHX37 is on the minus strand). VCF-style: chr12-124952436-C-T. GRCh37 (hg19) VCF-style: chr12-125436982-C-T.
Other names: c.2830G>A (NM_032656.3); short protein forms E944K.
Identifiers: ClinVar variation 2775658 (VCV002775658.4), dbSNP rs772529799, ClinGen allele CA6871476.
Genomic context (GRCh38, chr12:124,952,436, plus strand): 5'-AGGGAGGCGGTGGGGGCCGCACCTTGTAGGCGTTCCTCCACTTGTCCTCCAGCATCTCCT[C>T]GCTCTGGACCCTGCGGGCCAAGTGGTCCCCCAGGCCTGCCGTCACGATCTGTCGCAGGTA-3'
Protein context (NP_116045.2, residues 934-954): GDHLARRVQS[Glu944Lys]EMLEDKWRNA